The following is an entry in ClinVar:

NM_003839.4(TNFRSF11A):c.1424G>C (p.Gly475Ala)

Gene: TNFRSF11A (TNF receptor superfamily member 11a; plus strand). Cytogenetic location: 18q21.33.
Variant type: single nucleotide variant.
Coding change: c.1424G>C on transcript NM_003839.4 (MANE Select); coding-DNA position 1424, G replaced by C.
Protein change: p.Gly475Ala; replaces glycine 475 with alanine.
Molecular consequence: missense variant. On other transcripts: intron variant (3).
Genome position (GRCh38, 1-based): chr18:62,369,341, G>C. VCF-style: chr18-62369341-G-C. GRCh37 (hg19) VCF-style: chr18-60036574-G-C.
Other names: c.1382G>C, p.Gly461Ala (NM_001278268.2); c.783+2581G>C (NM_001270949.2); c.730+7548G>C (NM_001270950.2); c.616+9292G>C (NM_001270951.2); short protein forms G461A, G475A.
Identifiers: ClinVar variation 2974743 (VCV002974743.3), dbSNP rs1017013088, ClinGen allele CA301704487.

ClinVar aggregate classification (germline): Uncertain significance (1 of 4 stars; one submission).

Allele frequency attached by ClinVar (database versions not stated): gnomAD 0.00001; TOPMed 0.00002.
gnomAD v4.1: 6 of 1,609,946 alleles (0.00037%); highest among the groups gnomAD compares: African/African-American, 0.004%; no homozygotes.

Submission:

Labcorp Genetics (formerly Invitae), Labcorp
Classification: Uncertain significance. Last evaluated: 2025-01-23. Review status: criteria provided, single submitter. Criteria: Invitae Variant Classification Sherloc (09022015). Collection method: clinical testing. Allele origin: germline.
Comment: This sequence change replaces glycine, which is neutral and non-polar, with alanine, which is neutral and non-polar, at codon 475 of the TNFRSF11A protein (p.Gly475Ala). This variant is not present in population databases (gnomAD no frequency). This variant has not been reported in the literature in individuals affected with TNFRSF11A-related conditions. ClinVar contains an entry for this variant (Variation ID: 2974743). An algorithm developed to predict the effect of missense changes on protein structure and function (PolyPhen-2) suggests that this variant is likely to be disruptive. In summary, the available evidence is currently insufficient to determine the role of this variant in disease. Therefore, it has been classified as a Variant of Uncertain Significance.